The following is an entry in ClinVar:

NM_006767.4(LZTR1):c.2443C>T (p.Gln815Ter)

Gene: LZTR1 (leucine zipper like post translational regulator 1; plus strand). Cytogenetic location: 22q11.21.
Variant type: single nucleotide variant.
Coding change: c.2443C>T on transcript NM_006767.4 (MANE Select); coding-DNA position 2443, C replaced by T.
Protein change: p.Gln815Ter; replaces glutamine 815 with a stop codon.
Molecular consequence: nonsense.
Genome position (GRCh38, 1-based): chr22:20,997,268, C>T. VCF-style: chr22-20997268-C-T. GRCh37 (hg19) VCF-style: chr22-21351557-C-T.
Other names: c.2443C>T (NM_006767.3); short protein forms Q815*.
Identifiers: ClinVar variation 2179528 (VCV002179528.5), dbSNP rs1924898110, ClinGen allele CA410781636.

ClinVar aggregate classification (germline): Conflicting classifications of pathogenicity. Review status: criteria provided, conflicting classifications (1 of 4 stars). 2 submissions from 2 submitters: Likely pathogenic (1); Uncertain significance (1). Last evaluated 2023-05-22.

Allele frequency attached by ClinVar (database versions not stated): gnomAD exomes below 0.00001.

Submissions (2):

Labcorp Genetics (formerly Invitae), Labcorp
Classification: Uncertain significance. Last evaluated: 2023-05-22. Review status: criteria provided, single submitter. Criteria: Invitae Variant Classification Sherloc (09022015). Collection method: clinical testing. Allele origin: germline.
Comment: This sequence change creates a premature translational stop signal (p.Gln815*) in the LZTR1 gene. While this is not anticipated to result in nonsense mediated decay, it is expected to disrupt the last 26 amino acid(s) of the LZTR1 protein. This variant is not present in population databases (gnomAD no frequency). This variant has not been reported in the literature in individuals affected with LZTR1-related conditions. ClinVar contains an entry for this variant (Variation ID: 2179528). Experimental studies and prediction algorithms are not available or were not evaluated, and the functional significance of this variant is currently unknown. This variant disrupts a region of the LZTR1 protein in which other variant(s) (p.Ile821Thr) have been observed in individuals with LZTR1-related conditions (PMID: 29469822, 30481304). This suggests that this is a clinically significant region of the protein, and that variants that disrupt it are likely to be disease-causing. In summary, the available evidence is currently insufficient to determine the role of this variant in disease. Therefore, it has been classified as a Variant of Uncertain Significance.

GeneDx
Classification: Likely pathogenic. Last evaluated: 2023-05-05. Review status: criteria provided, single submitter. Criteria: GeneDx Variant Classification Process June 2021. Collection method: clinical testing. Allele origin: germline. Affected: yes.
Comment: Nonsense variant in the C-terminus predicted to result in protein truncation, as the last 26 amino acids are lost, and other loss-of-function variants have been reported downstream in the Human Gene Mutation Database (HGMD); Not observed at significant frequency in large population cohorts (gnomAD); Has not been previously published as pathogenic or benign to our knowledge

Literature cited by the submitters: PubMed 29469822 (cited by Labcorp Genetics (formerly Invitae), Labcorp); PubMed 30481304 (cited by Labcorp Genetics (formerly Invitae), Labcorp).